The following is an entry in ClinVar:

NM_000535.7(PMS2):c.2446G>T (p.Val816Leu)

Gene: PMS2 (PMS1 homolog 2, mismatch repair system component; minus strand). Cytogenetic location: 7p22.1.
Variant type: single nucleotide variant.
Coding change: c.2446G>T on transcript NM_000535.7 (MANE Select); coding-DNA position 2446, G replaced by T.
Protein change: p.Val816Leu; replaces valine 816 with leucine.
Molecular consequence: missense variant. On other transcripts: non-coding transcript variant (1).
Genome position (GRCh38, 1-based): chr7:5,973,542, C>A on the plus strand (G>T on the coding strand, the complement: PMS2 is on the minus strand). VCF-style: chr7-5973542-C-A. GRCh37 (hg19) VCF-style: chr7-6013173-C-A.
Other names: c.2041G>T, p.Val681Leu (NM_001322003.2, NM_001322004.2, NM_001322005.2); c.2290G>T, p.Val764Leu (NM_001322006.2); c.2128G>T, p.Val710Leu (NM_001322007.2, NM_001322008.2); c.2074G>T, p.Val692Leu (NM_001322009.2); c.1885G>T, p.Val629Leu (NM_001322010.2); c.1513G>T, p.Val505Leu (NM_001322011.2, NM_001322012.2); c.1873G>T, p.Val625Leu (NM_001322013.2); c.2479G>T, p.Val827Leu (NM_001322014.2); and 1 more; short protein forms V816L, V692L, V764L, V827L, V505L, V681L, V710L, V713L.
Identifiers: ClinVar variation 231992 (VCV000231992.15), dbSNP rs876659479, ClinGen allele CA10578639.

ClinVar aggregate classification (germline): Uncertain significance. Review status: criteria provided, multiple submitters, no conflicts (2 of 4 stars). 2 submissions from 2 submitters: Uncertain significance (2). Last evaluated 2025-06-02.

Conditions:
Hereditary nonpolyposis colorectal neoplasms. Identifiers: MedGen C0009405, MeSH D003123.
Hereditary cancer-predisposing syndrome. Also called: Neoplastic Syndromes, Hereditary; Tumor predisposition; Hereditary Cancer Syndrome; Hereditary neoplastic syndrome. Identifiers: Orphanet 140162, MedGen C0027672, MeSH D009386, MONDO:0015356.

Submissions (2):

Labcorp Genetics (formerly Invitae), Labcorp
Classification: Uncertain significance for Hereditary nonpolyposis colorectal neoplasms. Last evaluated: 2025-06-02. Review status: criteria provided, single submitter. Criteria: Invitae Variant Classification Sherloc (09022015). Collection method: clinical testing. Allele origin: germline.
Comment: This sequence change replaces valine, which is neutral and non-polar, with leucine, which is neutral and non-polar, at codon 816 of the PMS2 protein (p.Val816Leu). The frequency data for this variant in the population databases (gnomAD) is considered unreliable due to the presence of homologous sequence, such as pseudogenes or paralogs, in the genome. This variant has not been reported in the literature in individuals affected with PMS2-related conditions. ClinVar contains an entry for this variant (Variation ID: 231992). An algorithm developed to predict the effect of missense changes on protein structure and function (PolyPhen-2) suggests that this variant is likely to be disruptive. Algorithms developed to predict the effect of sequence changes on RNA splicing suggest that this variant may disrupt the consensus splice site. In summary, the available evidence is currently insufficient to determine the role of this variant in disease. Therefore, it has been classified as a Variant of Uncertain Significance.

Ambry Genetics
Classification: Uncertain significance for Hereditary cancer-predisposing syndrome. Last evaluated: 2023-07-18. Review status: criteria provided, single submitter. Criteria: Ambry Variant Classification Scheme 2023. Collection method: clinical testing. Allele origin: germline.
Comment: The p.V816L variant (also known as c.2446G>T) is located in coding exon 15 of the PMS2 gene. The valine at codon 816 is replaced by leucine, an amino acid with highly similar properties. This change occurs in the first base pair of coding exon 15. This amino acid position is highly conserved in available vertebrate species. In addition, this alteration is predicted to be deleterious by in silico analysis. Since supporting evidence is limited at this time, the clinical significance of this alteration remains unclear.